The following is an entry in ClinVar:

ClinVar aggregate classification (germline): Uncertain significance. Review status: criteria provided, multiple submitters, no conflicts (2 of 4 stars). 2 submissions from 2 submitters: Uncertain significance (2). Last evaluated 2025-08-13.

Conditions:
Inborn genetic diseases. Identifiers: MedGen C0950123, MeSH D030342.
Neuropathy, hereditary sensory and autonomic, type 1C. Also called: HSAN IC; HSN IC. Identifiers: Orphanet 36386, MedGen C3150896, MONDO:0013337, OMIM 613640.

Allele frequency attached by ClinVar (database versions not stated): gnomAD exomes below 0.00001; ExAC 0.00002.
gnomAD v4.1: 5 of 1,614,214 alleles (0.00031%); highest among the groups gnomAD compares: Non-Finnish European, 0.00042%; no homozygotes.

Submissions (2):

Ambry Genetics
Classification: Uncertain significance for Inborn genetic diseases. Last evaluated: 2025-08-13. Review status: criteria provided, single submitter. Criteria: Ambry Variant Classification Scheme 2023. Collection method: clinical testing. Allele origin: germline.

Labcorp Genetics (formerly Invitae), Labcorp
Classification: Uncertain significance for Neuropathy, hereditary sensory and autonomic, type 1C. Last evaluated: 2023-11-05. Review status: criteria provided, single submitter. Criteria: Invitae Variant Classification Sherloc (09022015). Collection method: clinical testing. Allele origin: germline.
Comment: This sequence change replaces proline, which is neutral and non-polar, with leucine, which is neutral and non-polar, at codon 546 of the SPTLC2 protein (p.Pro546Leu). This variant is present in population databases (rs780325843, gnomAD 0.002%). This variant has not been reported in the literature in individuals affected with SPTLC2-related conditions. ClinVar contains an entry for this variant (Variation ID: 2040918). An algorithm developed to predict the effect of missense changes on protein structure and function (PolyPhen-2) suggests that this variant is likely to be tolerated. In summary, the available evidence is currently insufficient to determine the role of this variant in disease. Therefore, it has been classified as a Variant of Uncertain Significance.

NM_004863.4(SPTLC2):c.1637C>T (p.Pro546Leu)

Gene: SPTLC2 (serine palmitoyltransferase long chain base subunit 2; minus strand). Cytogenetic location: 14q24.3.
Variant type: single nucleotide variant.
Coding change: c.1637C>T on transcript NM_004863.4 (MANE Select); coding-DNA position 1637, C replaced by T.
Protein change: p.Pro546Leu; replaces proline 546 with leucine.
Molecular consequence: missense variant.
Genome position (GRCh38, 1-based): chr14:77,512,336, G>A on the plus strand (C>T on the coding strand, the complement: SPTLC2 is on the minus strand). VCF-style: chr14-77512336-G-A. GRCh37 (hg19) VCF-style: chr14-77978679-G-A.
Other names: short protein forms P546L.
Identifiers: ClinVar variation 2040918 (VCV002040918.5), dbSNP rs780325843, ClinGen allele CA7289110.